The following is an entry in ClinVar:

ClinVar aggregate classification (germline): Uncertain significance (1 of 4 stars; one submission).

Submission:

Ambry Genetics
Classification: Uncertain significance. Last evaluated: 2022-10-24. Review status: criteria provided, single submitter. Criteria: Ambry Variant Classification Scheme 2023. Collection method: clinical testing. Allele origin: germline.
Comment: The p.E1670G variant (also known as c.5009A>G), located in coding exon 38 of the PRKDC gene, results from an A to G substitution at nucleotide position 5009. The glutamic acid at codon 1670 is replaced by glycine, an amino acid with similar properties. This amino acid position is conserved. Since supporting evidence is limited at this time, the clinical significance of this alteration remains unclear.

NM_006904.7(PRKDC):c.5009A>G (p.Glu1670Gly)

Gene: PRKDC (protein kinase, DNA-activated, catalytic subunit; minus strand). Cytogenetic location: 8q11.21.
Variant type: single nucleotide variant.
Coding change: c.5009A>G on transcript NM_006904.7 (MANE Select); coding-DNA position 5009, A replaced by G.
Protein change: p.Glu1670Gly; replaces glutamic acid 1670 with glycine.
Molecular consequence: missense variant.
Genome position (GRCh38, 1-based): chr8:47,881,474, T>C on the plus strand (A>G on the coding strand, the complement: PRKDC is on the minus strand). VCF-style: chr8-47881474-T-C. GRCh37 (hg19) VCF-style: chr8-48794035-T-C.
Other names: c.5009A>G, p.Glu1670Gly (NM_001081640.2); short protein forms E1670G.
Identifiers: ClinVar variation 1744746 (VCV001744746.2), dbSNP rs2551872552, ClinGen allele CA371139950.